The following is an entry in ClinVar:

NM_014639.4(SKIC3):c.3694G>T (p.Ala1232Ser)

Gene: SKIC3 (SKI3 subunit of superkiller complex; minus strand). Cytogenetic location: 5q15.
Variant type: single nucleotide variant.
Coding change: c.3694G>T on transcript NM_014639.4 (MANE Select); coding-DNA position 3694, G replaced by T.
Protein change: p.Ala1232Ser; replaces alanine 1232 with serine.
Molecular consequence: missense variant.
Genome position (GRCh38, 1-based): chr5:95,494,790, C>A on the plus strand (G>T on the coding strand, the complement: SKIC3 is on the minus strand). VCF-style: chr5-95494790-C-A. GRCh37 (hg19) VCF-style: chr5-94830494-C-A.
Other names: short protein forms A1232S.
Identifiers: ClinVar variation 1518104 (VCV001518104.4), dbSNP rs749188285, ClinGen allele CA3346618.

ClinVar aggregate classification (germline): Uncertain significance (1 of 4 stars; one submission).

Allele frequency attached by ClinVar (database versions not stated): gnomAD exomes 0.00003; ExAC 0.00005; gnomAD 0.00002; TOPMed 0.00001.
gnomAD v4.1: 57 of 1,613,414 alleles (0.0035%); highest among the groups gnomAD compares: Non-Finnish European, 0.0048%; no homozygotes.

Submission:

Labcorp Genetics (formerly Invitae), Labcorp
Classification: Uncertain significance. Last evaluated: 2022-08-23. Review status: criteria provided, single submitter. Criteria: Invitae Variant Classification Sherloc (09022015). Collection method: clinical testing. Allele origin: germline.
Comment: In summary, the available evidence is currently insufficient to determine the role of this variant in disease. Therefore, it has been classified as a Variant of Uncertain Significance. Algorithms developed to predict the effect of missense changes on protein structure and function (SIFT, PolyPhen-2, Align-GVGD) all suggest that this variant is likely to be tolerated. ClinVar contains an entry for this variant (Variation ID: 1518104). This variant has not been reported in the literature in individuals affected with TTC37-related conditions. This variant is present in population databases (rs749188285, gnomAD 0.005%). This sequence change replaces alanine, which is neutral and non-polar, with serine, which is neutral and polar, at codon 1232 of the TTC37 protein (p.Ala1232Ser).